The following is an entry in ClinVar:

ClinVar aggregate classification (germline): Likely benign. Review status: criteria provided, multiple submitters, no conflicts (2 of 4 stars). 2 submissions from 2 submitters: Likely benign (2). Last evaluated 2026-05-13.

Conditions:
Neurofibromatosis, type 1 (NF1). Also called: Neurofibromatosis, type I; NEUROFIBROMATOSIS, TYPE I, SOMATIC; VON RECKLINGHAUSEN DISEASE; Peripheral type neurofibromatosis. Identifiers: Orphanet 636, MedGen C0027831, MONDO:0018975, OMIM 162200. Disease mechanism: loss of function.

Allele frequency attached by ClinVar (database versions not stated): gnomAD exomes below 0.00001; TOPMed below 0.00001; gnomAD 0.00001.
gnomAD v4.1: 6 of 1,613,912 alleles (0.00037%); highest among the groups gnomAD compares: Non-Finnish European, 0.00051%; no homozygotes.

Submissions (2):

Myriad Genetics, Inc.
Classification: Likely benign for Neurofibromatosis, type 1. Last evaluated: 2026-05-13. Review status: criteria provided, single submitter. Criteria: Myriad Autosomal Dominant, Autosomal Recessive and X-Linked Classification Criteria (2023). Collection method: clinical testing. Allele origin: unknown.
Comment: This variant is considered likely benign. This variant is intronic and is not expected to impact mRNA splicing.

Labcorp Genetics (formerly Invitae), Labcorp
Classification: Likely benign for Neurofibromatosis, type 1. Last evaluated: 2025-10-21. Review status: criteria provided, single submitter. Criteria: Invitae Variant Classification Sherloc (09022015). Collection method: clinical testing. Allele origin: germline.

NM_001042492.3(NF1):c.7062+8A>G

Gene: NF1 (neurofibromin 1; plus strand). Cytogenetic location: 17q11.2.
Variant type: single nucleotide variant.
Coding change: c.7062+8A>G on transcript NM_001042492.3 (MANE Select); 8 bases into the intron after coding-DNA position 7062, A replaced by G.
Molecular consequence: intron variant.
Genome position (GRCh38, 1-based): chr17:31,340,653, A>G. VCF-style: chr17-31340653-A-G. GRCh37 (hg19) VCF-style: chr17-29667671-A-G.
Other names: c.6999+8A>G (NM_000267.4).
Identifiers: ClinVar variation 220301 (VCV000220301.11), dbSNP rs864622468, ClinGen allele CA350583.
Genomic context (GRCh38, chr17:31,340,653, plus strand): 5'-TTCTTGAACAAAACCTGCATACTTTAGATAGTCTCCGTATATTCAATGACAAGGTAAGCA[A>G]ACTTTGCCTTGAGGTTCCTAGATTACTCAAATTTAGTACTCTTCCATCTTTTCTTGTTGC-3'